The following is an entry in ClinVar:

ClinVar aggregate classification (germline): Uncertain significance. Review status: criteria provided, multiple submitters, no conflicts (2 of 4 stars). 2 submissions from 2 submitters: Uncertain significance (2). Last evaluated 2024-10-14.

Conditions:
Rubinstein-Taybi syndrome (RSTS). Identifiers: Orphanet 783, MedGen C0035934, MONDO:0019188.

gnomAD v4.1: 5 of 1,614,204 alleles (0.00031%); highest among the groups gnomAD compares: African/African-American, 0.0013%; no homozygotes.

Submissions (2):

Labcorp Genetics (formerly Invitae), Labcorp
Classification: Uncertain significance for Rubinstein-Taybi syndrome. Last evaluated: 2024-10-14. Review status: criteria provided, single submitter. Criteria: Invitae Variant Classification Sherloc (09022015). Collection method: clinical testing. Allele origin: germline.
Comment: This sequence change replaces proline, which is neutral and non-polar, with alanine, which is neutral and non-polar, at codon 693 of the CREBBP protein (p.Pro693Ala). This variant is not present in population databases (gnomAD no frequency). This variant has not been reported in the literature in individuals affected with CREBBP-related conditions. ClinVar contains an entry for this variant (Variation ID: 1955697). Invitae Evidence Modeling of protein sequence and biophysical properties (such as structural, functional, and spatial information, amino acid conservation, physicochemical variation, residue mobility, and thermodynamic stability) indicates that this missense variant is not expected to disrupt CREBBP protein function with a negative predictive value of 95%. In summary, the available evidence is currently insufficient to determine the role of this variant in disease. Therefore, it has been classified as a Variant of Uncertain Significance.

CeGaT Center for Human Genetics Tuebingen
Classification: Uncertain significance. Last evaluated: 2022-04-01. Review status: criteria provided, single submitter. Criteria: CeGaT Center For Human Genetics Tuebingen Variant Classification Criteria Version 2. Collection method: clinical testing. Allele origin: germline. Affected: yes. Observed: 1 variant allele.
Comment: CREBBP: PM2, PP2, BP4

NM_004380.3(CREBBP):c.2077C>G (p.Pro693Ala)

Gene: CREBBP (CREB binding lysine acetyltransferase; minus strand). Cytogenetic location: 16p13.3.
Variant type: single nucleotide variant.
Coding change: c.2077C>G on transcript NM_004380.3 (MANE Select); coding-DNA position 2077, C replaced by G.
Protein change: p.Pro693Ala; replaces proline 693 with alanine.
Molecular consequence: missense variant.
Genome position (GRCh38, 1-based): chr16:3,778,047, G>C on the plus strand (C>G on the coding strand, the complement: CREBBP is on the minus strand). VCF-style: chr16-3778047-G-C. GRCh37 (hg19) VCF-style: chr16-3828048-G-C.
Other names: c.1963C>G, p.Pro655Ala (NM_001079846.1); short protein forms P655A, P693A.
Identifiers: ClinVar variation 1955697 (VCV001955697.29), dbSNP rs776122323, ClinGen allele CA394554375.